The following is an entry in ClinVar:

ClinVar aggregate classification (germline): Uncertain significance (1 of 4 stars; one submission).

Submission:

GeneDx
Classification: Uncertain significance. Last evaluated: 2025-06-25. Review status: criteria provided, single submitter. Criteria: GeneDx Variant Classification Process June 2021. Collection method: clinical testing. Allele origin: germline.
Comment: Not observed at significant frequency in large population cohorts (gnomAD); Nonsense variant predicted to result in protein truncation or nonsense mediated decay in a gene or region of a gene for which loss of function is not a well-established mechanism of disease; Has not been previously published as pathogenic or benign to our knowledge

NM_024725.4(CCDC82):c.448G>T (p.Glu150Ter)

Gene: CCDC82 (coiled-coil domain containing 82; minus strand). Cytogenetic location: 11q21.
Variant type: single nucleotide variant.
Coding change: c.448G>T on transcript NM_024725.4 (MANE Select); coding-DNA position 448, G replaced by T.
Protein change: p.Glu150Ter; replaces glutamic acid 150 with a stop codon.
Molecular consequence: nonsense. On other transcripts: intron variant (1).
Genome position (GRCh38, 1-based): chr11:96,384,300, C>A on the plus strand (G>T on the coding strand, the complement: CCDC82 is on the minus strand). VCF-style: chr11-96384300-C-A. GRCh37 (hg19) VCF-style: chr11-96117464-C-A.
Other names: c.448G>T, p.Glu150Ter (NM_001318736.2, NM_001318737.3); c.386-7G>T (NM_001363594.2); short protein forms E150*.
Identifiers: ClinVar variation 3391796 (VCV003391796.2).